The following is an entry in ClinVar:

NM_182961.4(SYNE1):c.18079G>C (p.Glu6027Gln)

Gene: SYNE1 (spectrin repeat containing nuclear envelope protein 1; minus strand). Cytogenetic location: 6q25.2.
Variant type: single nucleotide variant.
Coding change: c.18079G>C on transcript NM_182961.4 (MANE Select); coding-DNA position 18079, G replaced by C.
Protein change: p.Glu6027Gln; replaces glutamic acid 6027 with glutamine.
Molecular consequence: missense variant.
Genome position (GRCh38, 1-based): chr6:152,284,106, C>G on the plus strand (G>C on the coding strand, the complement: SYNE1 is on the minus strand). VCF-style: chr6-152284106-C-G. GRCh37 (hg19) VCF-style: chr6-152605241-C-G.
Other names: c.17866G>C, p.Glu5956Gln (NM_033071.5); c.17866G>C (NM_033071.3); short protein forms E6027Q, E5956Q.
Identifiers: ClinVar variation 1464805 (VCV001464805.5), dbSNP rs745822192, ClinGen allele CA4055058.
Genomic context (GRCh38, chr6:152,284,106, plus strand): 5'-GCGTGGACTGCAAGGCCAGCTGCTCCGCAGGGTCGGCCTCACAAGACTCGGATACCAGCT[C>G]CTCTGCGAGAGAGGACTGGAGCTCATTGATTTCATCCTGGAGCATGAGAATCTCATCCAT-3'
Protein context (NP_892006.3, residues 6017-6037): INELQSSLAE[Glu6027Gln]LVSESCEADP

ClinVar aggregate classification (germline): Uncertain significance. Review status: criteria provided, multiple submitters, no conflicts (2 of 4 stars). 2 submissions from 2 submitters: Uncertain significance (2). Last evaluated 2022-10-10.

Conditions:
Autosomal recessive ataxia, Beauce type. Also called: SYNE1-Related Autosomal Recessive Cerebellar Ataxia; Spinocerebellar ataxia, autosomal recessive 8; ATAXIA, RECESSIVE, OF BEAUCE; SYNE1 Deficiency. Identifiers: Orphanet 88644, MedGen C1853116, MONDO:0012549, OMIM 610743.
Emery-Dreifuss muscular dystrophy 4, autosomal dominant (EDMD4). Also called: EMERY-DREIFUSS MUSCULAR DYSTROPHY 4 WITH VARIABLE FEATURES. Identifiers: Orphanet 261, MedGen C2751807, MONDO:0013071, OMIM 612998.
Inborn genetic diseases. Identifiers: MedGen C0950123, MeSH D030342.

Allele frequency attached by ClinVar (database versions not stated): gnomAD 0.00001; gnomAD exomes 0.00001; TOPMed 0.00001; ExAC 0.00002.
gnomAD v4.1: 4 of 1,614,058 alleles (0.00025%); highest among the groups gnomAD compares: Admixed American, 0.0067%; no homozygotes.

Submissions (2):

Labcorp Genetics (formerly Invitae), Labcorp
Classification: Uncertain significance for Emery-Dreifuss muscular dystrophy 4, autosomal dominant; Autosomal recessive ataxia, Beauce type. Last evaluated: 2022-10-10. Review status: criteria provided, single submitter. Criteria: Invitae Variant Classification Sherloc (09022015). Collection method: clinical testing. Allele origin: germline.
Comment: In summary, the available evidence is currently insufficient to determine the role of this variant in disease. Therefore, it has been classified as a Variant of Uncertain Significance. Algorithms developed to predict the effect of sequence changes on RNA splicing suggest that this variant may create or strengthen a splice site. Algorithms developed to predict the effect of missense changes on protein structure and function are either unavailable or do not agree on the potential impact of this missense change (SIFT: "Deleterious"; PolyPhen-2: "Benign"; Align-GVGD: "Class C0"). ClinVar contains an entry for this variant (Variation ID: 1464805). This variant has not been reported in the literature in individuals affected with SYNE1-related conditions. This variant is present in population databases (rs745822192, gnomAD 0.009%). This sequence change replaces glutamic acid, which is acidic and polar, with glutamine, which is neutral and polar, at codon 5956 of the SYNE1 protein (p.Glu5956Gln).

Ambry Genetics
Classification: Uncertain significance for Inborn genetic diseases. Last evaluated: 2021-08-13. Review status: criteria provided, single submitter. Criteria: Ambry Variant Classification Scheme 2023. Collection method: clinical testing. Allele origin: germline.